The following is an entry in ClinVar:

ClinVar aggregate classification (germline): Uncertain significance. Review status: criteria provided, single submitter (1 of 4 stars). 2 submissions from 2 submitters: Uncertain significance (1). 1 of the submissions does not count toward it. Last evaluated 2021-09-01.

Conditions:
Hereditary spastic paraplegia 49 (HSAN9). Also called: Spastic paraplegia 49, autosomal recessive; TECPR2-Related Hereditary Sensory and Autonomic Neuropathy with Intellectual Disability; NEUROPATHY, HEREDITARY SENSORY AND AUTONOMIC, TYPE IX, WITH DEVELOPMENTAL DELAY. Identifiers: Orphanet 320385, MedGen C5190860, MONDO:0014016, OMIM 615031.

Allele frequency attached by ClinVar (database versions not stated): gnomAD exomes 0.00001; gnomAD 0.00002; TOPMed 0.00002.
gnomAD v4.1: 10 of 1,613,474 alleles (0.00062%); highest among the groups gnomAD compares: Non-Finnish European, 0.00085%; no homozygotes.

Submissions (2):

Labcorp Genetics (formerly Invitae), Labcorp
Classification: Uncertain significance for Hereditary spastic paraplegia 49. Last evaluated: 2021-09-01. Review status: criteria provided, single submitter. Criteria: Invitae Variant Classification Sherloc (09022015). Collection method: clinical testing. Allele origin: germline.
Comment: This sequence change replaces alanine with threonine at codon 840 of the TECPR2 protein (p.Ala840Thr). The alanine residue is moderately conserved and there is a small physicochemical difference between alanine and threonine. This variant is not present in population databases (ExAC no frequency). This variant has not been reported in the literature in individuals affected with TECPR2-related conditions. Algorithms developed to predict the effect of missense changes on protein structure and function (SIFT, PolyPhen-2, Align-GVGD) all suggest that this variant is likely to be tolerated. In summary, the available evidence is currently insufficient to determine the role of this variant in disease. Therefore, it has been classified as a Variant of Uncertain Significance.

Natera, Inc.
Classification: Uncertain significance for Autosomal recessive spastic paraplegia type 49. Last evaluated: 2020-03-30. Review status: no assertion criteria provided. Collection method: clinical testing. Allele origin: germline. Not counted in ClinVar's aggregate classification.

NM_014844.5(TECPR2):c.2518G>A (p.Ala840Thr)

Genes: TECPR2 (tectonin beta-propeller repeat containing 2; plus strand), LOC130056519 (ATAC-STARR-seq lymphoblastoid silent region 6116; plus strand). Cytogenetic location: 14q32.31.
Variant type: single nucleotide variant.
Coding change: c.2518G>A on transcript NM_014844.5 (MANE Select); coding-DNA position 2518, G replaced by A.
Protein change: p.Ala840Thr; replaces alanine 840 with threonine.
Molecular consequence: missense variant.
Genome position (GRCh38, 1-based): chr14:102,438,145, G>A. VCF-style: chr14-102438145-G-A. GRCh37 (hg19) VCF-style: chr14-102904482-G-A.
Other names: c.2518G>A, p.Ala840Thr (NM_001172631.3); short protein forms A840T.
Identifiers: ClinVar variation 856973 (VCV000856973.10), dbSNP rs906936247, ClinGen allele CA267058836.
Genomic context (GRCh38, chr14:102,438,145, plus strand): 5'-GAGAAGTATATCTGGTGCCTGGACTACAAAGGCGGCCTGTTCTGCAGCGCGTTGCCGGGC[G>A]CCGGGCTGCGCTGGCAGAAGTTTGAAGATGCTGTCCAGCAGGTGGCAGTCTCGCCCTCAG-3'
Protein context (NP_055659.2, residues 830-850): GGLFCSALPG[Ala840Thr]GLRWQKFEDA